The following is an entry in ClinVar:

NM_015107.3(PHF8):c.2024T>C (p.Val675Ala)

Gene: PHF8 (PHD finger protein 8; minus strand). Cytogenetic location: Xp11.22.
Variant type: single nucleotide variant.
Coding change: c.2024T>C on transcript NM_015107.3 (MANE Select); coding-DNA position 2024, T replaced by C.
Protein change: p.Val675Ala; replaces valine 675 with alanine.
Molecular consequence: missense variant.
Genome position (GRCh38, 1-based): chrX:53,985,921, A>G on the plus strand (T>C on the coding strand, the complement: PHF8 is on the minus strand). VCF-style: chrX-53985921-A-G. GRCh37 (hg19) VCF-style: chrX-54012354-A-G.
Other names: c.2132T>C, p.Val711Ala (NM_001184896.1, NM_001441097.1); c.1721T>C, p.Val574Ala (NM_001184897.2); c.2024T>C, p.Val675Ala (NM_001184898.2); c.1829T>C, p.Val610Ala (NM_001441096.1, NM_001441098.1); short protein forms V574A, V610A, V675A, V711A.
Identifiers: ClinVar variation 4532393 (VCV004532393.1).

ClinVar aggregate classification (germline): Uncertain significance (1 of 4 stars; one submission).

Submission:

GeneDx
Classification: Uncertain significance. Last evaluated: 2025-05-23. Review status: criteria provided, single submitter. Criteria: GeneDx Variant Classification Process June 2021. Collection method: clinical testing. Allele origin: germline. Affected: yes.
Comment: Not observed at significant frequency in large population cohorts (gnomAD); In silico analysis suggests that this missense variant does not alter protein structure/function; Has not been previously published as pathogenic or benign to our knowledge